The following is an entry in ClinVar:

NM_015294.6(TRIM37):c.*634A>T

Gene: TRIM37 (tripartite motif containing 37; minus strand). Cytogenetic location: 17q22.
Variant type: single nucleotide variant.
Coding change: c.*634A>T on transcript NM_015294.6 (MANE Select); 634 bases downstream of the stop codon, A replaced by T.
Molecular consequence: 3 prime UTR variant. On other transcripts: non-coding transcript variant (2), intron variant (2).
Genome position (GRCh38, 1-based): chr17:58,998,743, T>A on the plus strand (A>T on the coding strand, the complement: TRIM37 is on the minus strand). VCF-style: chr17-58998743-T-A. GRCh37 (hg19) VCF-style: chr17-57076104-T-A.
Other names: c.*634A>T (NM_001320987.3, NM_001320988.3, NM_001320990.3 and 5 more transcripts); c.2774+638A>T (NM_001320989.3); c.2891+638A>T (NM_001005207.5).
Identifiers: ClinVar variation 324182 (VCV000324182.6), dbSNP rs28475409, ClinGen allele CA10646222.

ClinVar aggregate classification (germline): Benign. Review status: criteria provided, multiple submitters, no conflicts (2 of 4 stars). 2 submissions from 2 submitters: Benign (2). Last evaluated 2018-01-12.

Conditions:
Mulibrey nanism syndrome. Also called: MUSCLE-LIVER-BRAIN-EYE NANISM; PERHEENTUPA SYNDROME; PERICARDIAL CONSTRICTION AND GROWTH FAILURE. Identifiers: Orphanet 2576, MedGen C0524582, MONDO:0009664, OMIM 253250.

Allele frequency attached by ClinVar (database versions not stated): 1000 Genomes Project 0.32768; 1000 Genomes Project 30x 0.32839; TOPMed 0.33340; gnomAD 0.34158 and 0.34369; gnomAD exomes 0.36981.
gnomAD v4.1: 360,492 of 985,222 alleles (37%); highest among the groups gnomAD compares: Middle Eastern, 43%; 66,148 homozygotes.

Submissions (2):

Illumina Laboratory Services, Illumina
Classification: Benign for Mulibrey nanism syndrome. Last evaluated: 2018-01-12. Review status: criteria provided, single submitter. Criteria: ICSL Variant Classification Criteria 13 December 2019. Collection method: clinical testing. Allele origin: germline.
Comment: This variant was observed in the ICSL laboratory as part of a predisposition screen in an ostensibly healthy population. It had not been previously curated by ICSL or reported in the Human Gene Mutation Database (HGMD: prior to June 1st, 2018), and was therefore a candidate for classification through an automated scoring system. Utilizing variant allele frequency, disease prevalence and penetrance estimates, and inheritance mode, an automated score was calculated to assess if this variant is too frequent to cause the disease. Based on the score and internal cut-off values, a variant classified as benign is not then subjected to further curation. The score for this variant resulted in a classification of benign for this disease.

Breakthrough Genomics
Classification: Benign. Review status: criteria provided, single submitter. Criteria: ACMG Guidelines, 2015. Collection method: not provided. Allele origin: germline. Inheritance: Autosomal recessive inheritance. Affected: yes.